The following is an entry in ClinVar:

NM_006231.4(POLE):c.5702A>T (p.His1901Leu)

Gene: POLE (DNA polymerase epsilon, catalytic subunit; minus strand). Cytogenetic location: 12q24.33.
Variant type: single nucleotide variant.
Coding change: c.5702A>T on transcript NM_006231.4 (MANE Select); coding-DNA position 5702, A replaced by T.
Protein change: p.His1901Leu; replaces histidine 1901 with leucine.
Molecular consequence: missense variant.
Genome position (GRCh38, 1-based): chr12:132,636,001, T>A on the plus strand (A>T on the coding strand, the complement: POLE is on the minus strand). VCF-style: chr12-132636001-T-A. GRCh37 (hg19) VCF-style: chr12-133212587-T-A.
Other names: short protein forms H1901L.
Identifiers: ClinVar variation 1516601 (VCV001516601.8), dbSNP rs2138486929, ClinGen allele CA387373215.
Genomic context (GRCh38, chr12:132,636,001, plus strand): 5'-TTAGATGGATCCATCCAGAGAAGAAATTCCCAGCATCGAGAGAAAGAAATTGTCAGAGAA[T>A]GGAAGGTCTCCTTTGAATGGATGCTGCAGAGGAAGCATTGAAGACGCTGCTTCAGTGAAA-3'
Protein context (NP_006222.2, residues 1891-1911): TSSIHSKETF[His1901Leu]SLTISFSRCW

ClinVar aggregate classification (germline): Uncertain significance (1 of 4 stars; one submission).

Submission:

Labcorp Genetics (formerly Invitae), Labcorp
Classification: Uncertain significance. Last evaluated: 2022-07-06. Review status: criteria provided, single submitter. Criteria: Invitae Variant Classification Sherloc (09022015). Collection method: clinical testing. Allele origin: germline.
Comment: This variant is not present in population databases (gnomAD no frequency). In summary, the available evidence is currently insufficient to determine the role of this variant in disease. Therefore, it has been classified as a Variant of Uncertain Significance. Algorithms developed to predict the effect of missense changes on protein structure and function are either unavailable or do not agree on the potential impact of this missense change (SIFT: "Tolerated"; PolyPhen-2: "Possibly Damaging"; Align-GVGD: "Class C0"). ClinVar contains an entry for this variant (Variation ID: 1516601). This variant has not been reported in the literature in individuals affected with POLE-related conditions. This sequence change replaces histidine, which is basic and polar, with leucine, which is neutral and non-polar, at codon 1901 of the POLE protein (p.His1901Leu).